The following is an entry in ClinVar:

ClinVar aggregate classification (germline): Likely pathogenic (0 of 4 stars; one submission).

Conditions:
MED13-related disorder. Also called: MED13-related condition.

Submission:

PreventionGenetics, part of Exact Sciences
Classification: Likely pathogenic for MED13-related condition. Last evaluated: 2024-04-09. Review status: no assertion criteria provided. Collection method: clinical testing. Allele origin: germline.
Comment: The MED13 c.910dupT variant is predicted to result in a frameshift and premature protein termination (p.Ser304Phefs*29). To our knowledge, this variant has not been reported in the literature or in a large population database, indicating this variant is rare. Frameshift variants in MED13 are expected to be pathogenic. This variant is interpreted as likely pathogenic.

NM_005121.3(MED13):c.910dup (p.Ser304fs)

Gene: MED13 (mediator complex subunit 13; minus strand). Cytogenetic location: 17q23.2.
Variant type: Duplication.
Coding change: c.910dup on transcript NM_005121.3 (MANE Select); coding-DNA position 910, one base duplicated (T; older notation c.910dupT).
Protein change: p.Ser304fs; shifts the reading frame from serine 304.
Molecular consequence: frameshift variant.
Genome position (GRCh38, 1-based): chr17:62,031,543, A duplicated on the plus strand (T on the coding strand, the reverse complement: MED13 is on the minus strand); the first of 2 consecutive A bases (chr17:62,031,543-62,031,544); duplicating either gives the same sequence. VCF-style (leftmost placement, unchanged base first): chr17-62031542-G-GA. GRCh37 (hg19) VCF-style: chr17-60108903-G-GA.
Other names: short protein forms S304fs.
Identifiers: ClinVar variation 3348418 (VCV003348418.1).